The following is an entry in ClinVar:

NM_177438.3(DICER1):c.220G>A (p.Ala74Thr)

Gene: DICER1 (dicer 1, ribonuclease III; minus strand). Cytogenetic location: 14q32.13.
Variant type: single nucleotide variant.
Coding change: c.220G>A on transcript NM_177438.3 (MANE Select); coding-DNA position 220, G replaced by A.
Protein change: p.Ala74Thr; replaces alanine 74 with threonine.
Molecular consequence: missense variant.
Genome position (GRCh38, 1-based): chr14:95,132,602, C>T on the plus strand (G>A on the coding strand, the complement: DICER1 is on the minus strand). VCF-style: chr14-95132602-C-T. GRCh37 (hg19) VCF-style: chr14-95598939-C-T.
Other names: c.220G>A, p.Ala74Thr (NM_001195573.1, NM_001271282.3, NM_001291628.2 and 1 more transcripts); short protein forms A74T.
Identifiers: ClinVar variation 999560 (VCV000999560.10), dbSNP rs202181696, ClinGen allele CA390889930.

ClinVar aggregate classification (germline): Uncertain significance (1 of 4 stars; one submission).

Conditions:
DICER1-related tumor predisposition. Also called: DICER1 syndrome; DICER1-related pleuropulmonary blastoma cancer predisposition syndrome. Identifiers: Orphanet 284343, MedGen C3839822, MONDO:0100216.

Submission:

Labcorp Genetics (formerly Invitae), Labcorp
Classification: Uncertain significance for DICER1-related tumor predisposition. Last evaluated: 2021-08-04. Review status: criteria provided, single submitter. Criteria: Invitae Variant Classification Sherloc (09022015). Collection method: clinical testing. Allele origin: germline.
Comment: Algorithms developed to predict the effect of missense changes on protein structure and function are either unavailable or do not agree on the potential impact of this missense change (SIFT: "Deleterious"; PolyPhen-2: "Benign"; Align-GVGD: "Class C55"). In summary, the available evidence is currently insufficient to determine the role of this variant in disease. Therefore, it has been classified as a Variant of Uncertain Significance. This variant has not been reported in the literature in individuals with DICER1-related conditions. This variant is not present in population databases (ExAC no frequency). This sequence change replaces alanine with threonine at codon 74 of the DICER1 protein (p.Ala74Thr). The alanine residue is highly conserved and there is a small physicochemical difference between alanine and threonine.